The following is an entry in ClinVar:

NM_000156.6(GAMT):c.160GCC[5] (p.Ala57dup)

Genes: GAMT (guanidinoacetate N-methyltransferase; minus strand), LOC130062945 (ATAC-STARR-seq lymphoblastoid silent region 9707; plus strand). Cytogenetic location: 19p13.3.
Variant type: Microsatellite.
Coding change: c.160GCC[5] on transcript NM_000156.6 (MANE Select); five copies in a row of the 3-base unit GCC starting at c.160; the reference has four copies in a row; one copy, 3 bases duplicated.
Protein change: p.Ala57dup; duplicates alanine 57.
Molecular consequence: inframe insertion.
Genome position (GRCh38, 1-based): chr19:1,401,306-1,401,308, GGC duplicated on the plus strand (GCC on the coding strand, the reverse complement: GAMT is on the minus strand); duplicating any 3 consecutive bases within chr19:1,401,306-1,401,317 gives the same sequence; the position shown is the placement nearest the transcript's 3' end. VCF-style (leftmost placement, unchanged base first): chr19-1401305-A-AGGC. GRCh37 (hg19) VCF-style: chr19-1401304-A-AGGC.
Other names: c.160GCC[5], p.Ala57dup (NM_138924.3).
Identifiers: ClinVar variation 205604 (VCV000205604.1), dbSNP rs779257170, ClinGen allele CA314852.

ClinVar aggregate classification (germline): Uncertain significance (1 of 4 stars; one submission).

Submission:

GeneDx
Classification: Uncertain significance. Last evaluated: 2013-06-07. Review status: criteria provided, single submitter. Criteria: GeneDx Variant Classification (06012015). Collection method: clinical testing. Allele origin: germline. Affected: yes.
Comment: c.169_171dupGCC: p.Ala57dup (A57dup) in exon 1 of the GAMT gene (NM_000156.4). The normal sequence with the bases that are duplicated in braces is: CGCC{GCC}TCCT. The c.169_171dupGCC variant has not been published as a mutation, nor has it been reported as a benign polymorphism to our knowledge. It results in an in-frame duplication of a single Alanine residue in a region of the protein that is poorly conserved. In-frame duplications have been previously reported in association with GAMT deficiency (Dhar et al., 2009; Mercimek-Mahmutoglu et al., 2012). Therefore, based on the currently available information, it is unclear whether c.169_171dupGCC is a disease-causing mutation or a rare benign variant. The variant is found in EPILEPSY panel(s).